The following is an entry in ClinVar:

NM_000059.4(BRCA2):c.7567_7568del (p.Leu2523fs)

Gene: BRCA2 (BRCA2 DNA repair associated; plus strand). Cytogenetic location: 13q13.1.
Variant type: Microsatellite.
Coding change: c.7567_7568del on transcript NM_000059.4 (MANE Select); coding-DNA positions 7567 to 7568, 2 bases deleted (CT; older notation c.7567_7568delCT).
Protein change: p.Leu2523fs; shifts the reading frame from leucine 2523.
Molecular consequence: frameshift variant.
Genome position (GRCh38, 1-based): chr13:32,356,559-32,356,560, CT deleted; deleting any 2 consecutive bases within chr13:32,356,554-32,356,560 gives the same sequence; the c. name uses the placement nearest the transcript's 3' end. VCF-style (leftmost placement, unchanged base first): chr13-32356553-ATC-A. GRCh37 (hg19) VCF-style: chr13-32930690-ATC-A.
Other names: 7795delCT; c.7567_7568delCT (NM_000059.3); short protein forms L2523fs.
Identifiers: ClinVar variation 38105 (VCV000038105.25), dbSNP rs80359664, ClinGen allele CA025157.

ClinVar aggregate classification (germline): Pathogenic. Review status: reviewed by expert panel (3 of 4 stars). 13 submissions from 13 submitters: Pathogenic (1). 12 of the submissions do not count toward it. Last evaluated 2016-09-08.

Conditions:
Hereditary cancer-predisposing syndrome. Also called: Hereditary neoplastic syndrome; Neoplastic Syndromes, Hereditary; Tumor predisposition; Hereditary Cancer Syndrome. Identifiers: Orphanet 140162, MedGen C0027672, MeSH D009386, MONDO:0015356.
Hereditary breast ovarian cancer syndrome. Also called: Breast and ovarian cancer; BRCA1- and BRCA2-Associated Hereditary Breast and Ovarian Cancer; Hereditary breast and/or ovarian cancer syndrome; Hereditary breast and ovarian cancer; Hereditary breast and ovarian cancer syndrome; Hereditary breast and ovarian cancer syndrome (HBOC). Identifiers: Orphanet 145, MedGen C0677776, MeSH D061325, MONDO:0003582. Disease mechanism: loss of function.
Breast-ovarian cancer, familial, susceptibility to, 2 (BROVCA2). Also called: BRCA2 Hereditary Breast and Ovarian Cancer. Identifiers: Orphanet 145, MedGen C2675520, MONDO:0012933, OMIM 612555. Disease mechanism: loss of function.

Submissions (13):

Evidence-based Network for the Interpretation of Germline Mutant Alleles (ENIGMA)
Classification: Pathogenic for Breast-ovarian cancer, familial, susceptibility to, 2. Last evaluated: 2016-09-08. Review status: reviewed by expert panel. Criteria: ENIGMA BRCA1/2 Classification Criteria (2015). Collection method: curation. Allele origin: germline.
Comment: Variant allele predicted to encode a truncated non-functional protein.

Labcorp Genetics (formerly Invitae), Labcorp
Classification: Pathogenic for Hereditary breast ovarian cancer syndrome. Last evaluated: 2025-07-02. Review status: criteria provided, single submitter. Criteria: Invitae Variant Classification Sherloc (09022015). Collection method: clinical testing. Allele origin: germline. Not counted in ClinVar's aggregate classification.
Comment: This sequence change creates a premature translational stop signal (p.Leu2523Glufs*15) in the BRCA2 gene. It is expected to result in an absent or disrupted protein product. Loss-of-function variants in BRCA2 are known to be pathogenic (PMID: 20104584). This variant is present in population databases (rs80359664, gnomAD 0.007%). This premature translational stop signal has been observed in individual(s) with breast and/or ovarian cancer (PMID: 11030417, 16683254). For these reasons, this variant has been classified as Pathogenic.

Quest Diagnostics Nichols Institute San Juan Capistrano
Classification: Pathogenic. Last evaluated: 2023-11-14. Review status: criteria provided, single submitter. Criteria: Quest Diagnostics criteria. Collection method: clinical testing. Allele origin: unknown. Not counted in ClinVar's aggregate classification.
Comment: The BRCA2 c.7567_7568del (p.Leu2523Glufs*15) variant alters the translational reading frame of the BRCA2 mRNA and causes the premature termination of BRCA2 protein synthesis. This variant has been reported in the published literature in breast and/or ovarian cancer (PMIDs: 11030417 (2000), 16683254 (2006), 28961279 (2017), 30078507 (2018), 30702160 (2019)), as well as in an individual with breast cancer in a large scale breast cancer association study (PMID: 33471991 (2021), see also LOVD). The frequency of this variant in the general population, 0.000032 (1/31392 chromosomes (Genome Aggregation Database)), is consistent with pathogenicity. Based on the available information, this variant is classified as pathogenic.

Ambry Genetics
Classification: Pathogenic for Hereditary cancer-predisposing syndrome. Last evaluated: 2023-09-13. Review status: criteria provided, single submitter. Criteria: Ambry Variant Classification Scheme 2023. Collection method: clinical testing. Allele origin: germline. Not counted in ClinVar's aggregate classification.
Comment: The c.7567_7568delCT pathogenic mutation, located in coding exon 14 of the BRCA2 gene, results from a deletion of two nucleotides at nucleotide positions 7567 to 7568, causing a translational frameshift with a predicted alternate stop codon (p.L2523Efs*15). This mutation has been seen in multiple families with breast and/or ovarian cancer (Gao Q et al. Hum. Genet., 2000 Aug;107:186-91; Sung PL et al. PLoS ONE, 2017 Sep;12:e0185615; Li A et al. Gynecol. Oncol., 2018 10;151:145-152; Rebbeck TR et al. Hum. Mutat., 2018 05;39:593-620; Bhaskaran SP et al. Int. J. Cancer, 2019 Aug;145:962-973). Of note, this alteration is also designated as 7795delCT in published literature. In addition to the clinical data presented in the literature, this alteration is expected to result in loss of function by premature protein truncation or nonsense-mediated mRNA decay. As such, this alteration is interpreted as a disease-causing mutation.

GeneDx
Classification: Pathogenic. Last evaluated: 2022-11-16. Review status: criteria provided, single submitter. Criteria: GeneDx Variant Classification Process June 2021. Collection method: clinical testing. Allele origin: germline. Affected: yes. Not counted in ClinVar's aggregate classification.
Comment: Frameshift variant predicted to result in protein truncation or nonsense mediated decay in a gene for which loss-of-function is a known mechanism of disease; Truncating variants in this gene are considered pathogenic by a well-established clinical consortium and/or database; Not observed at a significant frequency in large population cohorts (gnomAD); Also known as 7795delCT; This variant is associated with the following publications: (PMID: 11030417, 16683254, 28724667, 30702160, 31825140, 30078507, 30720243, 30787465)

Women's Health and Genetics/Laboratory Corporation of America, LabCorp
Classification: Pathogenic for Hereditary breast and ovarian cancer syndrome. Last evaluated: 2019-06-24. Review status: criteria provided, single submitter. Criteria: LabCorp Variant Classification Summary - May 2015. Collection method: clinical testing. Allele origin: germline. Not counted in ClinVar's aggregate classification.
Comment: Variant summary: BRCA2 c.7567_7568delCT (p.Leu2523GlufsX15) results in a premature termination codon, predicted to cause a truncation of the encoded protein or absence of the protein due to nonsense mediated decay, which are commonly known mechanisms for disease. Truncations downstream of this position have been classified as pathogenic by our laboratory. The variant was absent in 251158 control chromosomes (gnomAD). c.7567_7568delCT has been reported in the literature in individuals affected with Hereditary Breast and Ovarian Cancer (Gao_2000, van der Hout_2006, Churpek_2015, Sung_2017, Li_2018, Rebbeck_2018). These data indicate that the variant is likely to be associated with disease. To our knowledge, no experimental evidence demonstrating an impact on protein function has been reported. Eight ClinVar submissions from clinical diagnostic laboratories and an expert panel (ENIGMA)(evaluation after 2014) cite the variant as pathogenic. Based on the evidence outlined above, the variant was classified as pathogenic.

Molecular Genetics Laboratory, University of Michigan
Classification: Pathogenic for Breast-ovarian cancer, familial, susceptibility to, 2. Last evaluated: 2016-04-21. Review status: criteria provided, single submitter. Criteria: ACMG Guidelines, 2015. Collection method: clinical testing. Allele origin: germline. Affected: yes. Not counted in ClinVar's aggregate classification.

Consortium of Investigators of Modifiers of BRCA1/2 (CIMBA), c/o University of Cambridge
Classification: Pathogenic for Breast-ovarian cancer, familial, susceptibility to, 2. Last evaluated: 2015-10-02. Review status: criteria provided, single submitter. Criteria: CIMBA Mutation Classification guidelines May 2016. Collection method: clinical testing. Allele origin: germline. Not counted in ClinVar's aggregate classification.

Clinical Genetics DNA and cytogenetics Diagnostics Lab, Erasmus MC, Erasmus Medical Center
Classification: Pathogenic for Breast-ovarian cancer, familial, susceptibility to, 2. Last evaluated: 2015-09-21. Review status: criteria provided, single submitter. Criteria: ACGS Guidelines, 2013. Collection method: clinical testing. Allele origin: germline. Affected: yes. Study: VKGL Data-share Consensus. Not counted in ClinVar's aggregate classification.

Research Molecular Genetics Laboratory, Women's College Hospital, University of Toronto
Classification: Pathogenic for Hereditary breast ovarian cancer syndrome. Last evaluated: 2014-01-31. Review status: no assertion criteria provided. Collection method: research. Allele origin: germline. Affected: yes. Study: The Canadian Open Genetics Repository (COGR). Not counted in ClinVar's aggregate classification.

Sharing Clinical Reports Project (SCRP)
Classification: Pathogenic for Breast-ovarian cancer, familial 2. Last evaluated: 2012-01-12. Review status: no assertion criteria provided. Collection method: clinical testing. Allele origin: germline. Not counted in ClinVar's aggregate classification.

Breast Cancer Information Core (BIC) (BRCA2)
Classification: Pathogenic for Breast-ovarian cancer, familial 2. Review status: no assertion criteria provided. Collection method: clinical testing. Allele origin: germline. Affected: yes. Observed: 1 variant allele. Not counted in ClinVar's aggregate classification.

Diagnostic Laboratory, Department of Genetics, University Medical Center Groningen
Classification: Pathogenic for Breast-ovarian cancer, familial, susceptibility to, 2. Review status: no assertion criteria provided. Collection method: clinical testing. Allele origin: germline. Affected: yes. Study: VKGL Data-share Consensus. Not counted in ClinVar's aggregate classification.

Literature cited by the submitters: PubMed 20104584 (cited by Labcorp Genetics (formerly Invitae), Labcorp); PubMed 11030417 (cited by 4 submitters); PubMed 16683254 (cited by 3 submitters); PubMed 30702160 (cited by 3 submitters); PubMed 30078507 (cited by 3 submitters); PubMed 28961279 (cited by 3 submitters); PubMed 29446198 (cited by 3 submitters); PubMed 33471991 (cited by Quest Diagnostics Nichols Institute San Juan Capistrano); PubMed 15131399 (cited by Quest Diagnostics Nichols Institute San Juan Capistrano and Women's Health and Genetics/Laboratory Corporation of America, LabCorp); PubMed 12942367 (cited by Quest Diagnostics Nichols Institute San Juan Capistrano and Women's Health and Genetics/Laboratory Corporation of America, LabCorp); PubMed 28724667 (cited by Ambry Genetics); PubMed 30720243 (cited by Ambry Genetics); PubMed 12491487 (cited by Women's Health and Genetics/Laboratory Corporation of America, LabCorp); PubMed 16234499 (cited by Women's Health and Genetics/Laboratory Corporation of America, LabCorp); PubMed 25428789 (cited by Women's Health and Genetics/Laboratory Corporation of America, LabCorp).